The following is an entry in ClinVar:

NM_003001.5(SDHC):c.348T>G (p.Ala116=)

Gene: SDHC (succinate dehydrogenase complex subunit C; plus strand). Cytogenetic location: 1q23.3.
Variant type: single nucleotide variant.
Coding change: c.348T>G on transcript NM_003001.5 (MANE Select); coding-DNA position 348, T replaced by G.
Protein change: p.Ala116=; no amino-acid change (alanine 116 retained).
Molecular consequence: synonymous variant. On other transcripts: non-coding transcript variant (1), intron variant (3).
Genome position (GRCh38, 1-based): chr1:161,356,783, T>G. VCF-style: chr1-161356783-T-G. GRCh37 (hg19) VCF-style: chr1-161326573-T-G.
Other names: c.246T>G, p.Ala82= (NM_001035512.3); c.189T>G, p.Ala63= (NM_001035513.3); c.468T>G, p.Ala156= (NM_001407115.1); c.291T>G, p.Ala97= (NM_001407116.1); c.285T>G, p.Ala95= (NM_001407117.1); c.240T>G, p.Ala80= (NM_001407118.1); c.237T>G, p.Ala79= (NM_001407119.1, NM_001407120.1); c.242-5546T>G (NM_001035511.3); and 2 more.
Identifiers: ClinVar variation 3904588 (VCV003904588.1).
Genomic context (GRCh38, chr1:161,356,783, plus strand): 5'-TGAGTCTTATTTGGAACTTGTGAAGTCCCTGTGTCTGGGGCCAGCACTGATCCACACAGC[T>G]AAGTTTGCACTTGTCTTCCCTCTCATGTATCATACCTGGAATGGGATCCGACACTTGGTA-3'
Protein context (NP_002992.1, residues 106-126): LCLGPALIHT[Ala116=]KFALVFPLMY

ClinVar aggregate classification (germline): Benign (1 of 4 stars; one submission).

Conditions:
Pheochromocytoma/paraganglioma syndrome 3. Also called: GLOMUS TUMORS, FAMILIAL, 3; Paragangliomas 3; SDHC-Related Hereditary Paraganglioma-Pheochromocytoma Syndrome (Paragangliomas 3); SDHC-Related Hereditary Paraganglioma-Pheochromocytoma Syndrome. Identifiers: Orphanet 29072, MedGen C1854336, MONDO:0011544, OMIM 605373.

Submission:

Myriad Genetics, Inc.
Classification: Benign for Pheochromocytoma/paraganglioma syndrome 3. Last evaluated: 2025-03-14. Review status: criteria provided, single submitter. Criteria: Myriad Autosomal Dominant, Autosomal Recessive and X-Linked Classification Criteria (2023). Collection method: clinical testing. Allele origin: unknown.
Comment: This variant is considered benign. This variant is a silent/synonymous amino acid change and it is not expected to impact splicing.